The following is an entry in ClinVar:

ClinVar aggregate classification (germline): Uncertain significance (1 of 4 stars; one submission).

Conditions:
Epileptic encephalopathy. Identifiers: MedGen C0543888, HP:0200134.

Submission:

Labcorp Genetics (formerly Invitae), Labcorp
Classification: Uncertain significance for Epileptic encephalopathy. Last evaluated: 2023-02-06. Review status: criteria provided, single submitter. Criteria: Invitae Variant Classification Sherloc (09022015). Collection method: clinical testing. Allele origin: germline.
Comment: This sequence change replaces arginine, which is basic and polar, with leucine, which is neutral and non-polar, at codon 346 of the GABBR2 protein (p.Arg346Leu). This variant is not present in population databases (gnomAD no frequency). This variant has not been reported in the literature in individuals affected with GABBR2-related conditions. Advanced modeling of protein sequence and biophysical properties (such as structural, functional, and spatial information, amino acid conservation, physicochemical variation, residue mobility, and thermodynamic stability) performed at Invitae indicates that this missense variant is not expected to disrupt GABBR2 protein function. In summary, the available evidence is currently insufficient to determine the role of this variant in disease. Therefore, it has been classified as a Variant of Uncertain Significance.

NM_005458.8(GABBR2):c.1037G>T (p.Arg346Leu)

Gene: GABBR2 (gamma-aminobutyric acid type B receptor subunit 2; minus strand). Cytogenetic location: 9q22.33.
Variant type: single nucleotide variant.
Coding change: c.1037G>T on transcript NM_005458.8 (MANE Select); coding-DNA position 1037, G replaced by T.
Protein change: p.Arg346Leu; replaces arginine 346 with leucine.
Molecular consequence: missense variant.
Genome position (GRCh38, 1-based): chr9:98,454,180, C>A on the plus strand (G>T on the coding strand, the complement: GABBR2 is on the minus strand). VCF-style: chr9-98454180-C-A. GRCh37 (hg19) VCF-style: chr9-101216462-C-A.
Other names: short protein forms R346L.
Identifiers: ClinVar variation 2835045 (VCV002835045.3), dbSNP rs1309000004, ClinGen allele CA374350724.